The following is an entry in ClinVar:

NM_006329.4(FBLN5):c.324C>T (p.Ser108=)

Gene: FBLN5 (fibulin 5; minus strand). Cytogenetic location: 14q32.12.
Variant type: single nucleotide variant.
Coding change: c.324C>T on transcript NM_006329.4 (MANE Select); coding-DNA position 324, C replaced by T.
Protein change: p.Ser108=; no amino-acid change (serine 108 retained).
Molecular consequence: synonymous variant.
Genome position (GRCh38, 1-based): chr14:91,937,002, G>A on the plus strand (C>T on the coding strand, the complement: FBLN5 is on the minus strand). VCF-style: chr14-91937002-G-A. GRCh37 (hg19) VCF-style: chr14-92403346-G-A.
Other names: c.447C>T, p.Ser149= (NM_001384158.1); c.375C>T, p.Ser125= (NM_001384159.1); c.324C>T, p.Ser108= (NM_001384160.1); c.156C>T, p.Ser52= (NM_001384161.1, NM_001384162.1).
Identifiers: ClinVar variation 2894433 (VCV002894433.3), dbSNP rs1173799903, ClinGen allele CA487830519.

ClinVar aggregate classification (germline): Uncertain significance (1 of 4 stars; one submission).

Allele frequency attached by ClinVar (database versions not stated): gnomAD exomes below 0.00001; gnomAD 0.00001; TOPMed 0.00001.
gnomAD v4.1: 4 of 1,614,056 alleles (0.00025%); highest among the groups gnomAD compares: Non-Finnish European, 0.00034%; no homozygotes.

Submission:

Labcorp Genetics (formerly Invitae), Labcorp
Classification: Uncertain significance. Last evaluated: 2022-12-23. Review status: criteria provided, single submitter. Criteria: Invitae Variant Classification Sherloc (09022015). Collection method: clinical testing. Allele origin: germline.
Comment: This variant has not been reported in the literature in individuals affected with FBLN5-related conditions. This sequence change affects codon 108 of the FBLN5 mRNA. It is a 'silent' change, meaning that it does not change the encoded amino acid sequence of the FBLN5 protein. This variant is present in population databases (no rsID available, gnomAD 0.007%). Algorithms developed to predict the effect of sequence changes on RNA splicing suggest that this variant may create or strengthen a splice site. In summary, the available evidence is currently insufficient to determine the role of this variant in disease. Therefore, it has been classified as a Variant of Uncertain Significance.